The following is an entry in ClinVar:

ClinVar aggregate classification (germline): Likely benign. Review status: criteria provided, multiple submitters, no conflicts (2 of 4 stars). 5 submissions from 5 submitters: Likely benign (5). Last evaluated 2026-01-24.

Conditions:
Epidermolysis bullosa simplex, Ogna type (EBS5A). Also called: Pidermolysis bullosa simplex 5A, Ogna type; EPIDERMOLYSIS BULLOSA SIMPLEX 5A, OGNA TYPE. Identifiers: Orphanet 79401, MedGen C0432317, MONDO:0007555, OMIM 131950.
Epidermolysis bullosa simplex 5B, with muscular dystrophy (EBS5B). Also called: Epidermolysis bullosa simplex with muscular dystrophy; EPIDERMOLYSIS BULLOSA SIMPLEX AND LIMB-GIRDLE MUSCULAR DYSTROPHY. Identifiers: Orphanet 257, MedGen C2931072, MONDO:0009181, OMIM 226670.
Epidermolysis bullosa simplex 5C, with pyloric atresia (EBS5C). Also called: PLEC-Related Epidermolysis Bullosa with Pyloric Atresia; Epidermolysis bullosa simplex with pyloric atresia; PLEC1-Related Epidermolysis Bullosa with Pyloric Atresia. Identifiers: Orphanet 158684, MedGen C2677349, MONDO:0012807, OMIM 612138.
Autosomal recessive limb-girdle muscular dystrophy type 2Q (LGMDR17). Also called: MUSCULAR DYSTROPHY, LIMB-GIRDLE, AUTOSOMAL RECESSIVE 17. Identifiers: Orphanet 254361, MedGen C3150989, MONDO:0013390, OMIM 613723.
Epidermolysis bullosa simplex with nail dystrophy (EBS5D). Identifiers: MedGen C4225309, MONDO:0014661, OMIM 616487.
Inborn genetic diseases. Identifiers: MedGen C0950123, MeSH D030342.

Allele frequency attached by ClinVar (database versions not stated): ESP Exome Variant Server 0.00008; ExAC 0.00011; gnomAD exomes 0.00013 and 0.00036; 1000 Genomes Project 0.00060; 1000 Genomes Project 30x 0.00062; TOPMed 0.00082.
gnomAD v4.1: 340 of 1,611,532 alleles (0.021%); highest among the groups gnomAD compares: Admixed American, 0.37%; 6 homozygotes.

Submissions (5):

Labcorp Genetics (formerly Invitae), Labcorp
Classification: Likely benign for Autosomal recessive limb-girdle muscular dystrophy type 2Q; Epidermolysis bullosa simplex, Ogna type; Epidermolysis bullosa simplex with nail dystrophy; Epidermolysis bullosa simplex 5C, with pyloric atresia; Epidermolysis bullosa simplex 5B, with muscular dystrophy. Last evaluated: 2026-01-24. Review status: criteria provided, single submitter. Criteria: Invitae Variant Classification Sherloc (09022015). Collection method: clinical testing. Allele origin: germline.

Ambry Genetics
Classification: Likely benign for Inborn genetic diseases. Last evaluated: 2024-11-10. Review status: criteria provided, single submitter. Criteria: Ambry Variant Classification Scheme 2023. Collection method: clinical testing. Allele origin: germline.

Blueprint Genetics
Classification: Likely benign. Last evaluated: 2022-11-29. Review status: criteria provided, single submitter. Criteria: ACMG Guidelines, 2015. Collection method: clinical testing. Allele origin: germline.

CeGaT Center for Human Genetics Tuebingen
Classification: Likely benign. Last evaluated: 2022-09-01. Review status: criteria provided, single submitter. Criteria: CeGaT Center For Human Genetics Tuebingen Variant Classification Criteria Version 2. Collection method: clinical testing. Allele origin: germline. Affected: yes. Observed: 1 variant allele.
Comment: PLEC: BP4, BP7

Athena Diagnostics
Classification: Likely benign. Last evaluated: 2018-09-17. Review status: criteria provided, single submitter. Criteria: Athena Diagnostics Criteria. Collection method: clinical testing. Allele origin: germline.

NM_201384.3(PLEC):c.13404G>A (p.Ala4468=)

Gene: PLEC (plectin; minus strand). Cytogenetic location: 8q24.3.
Variant type: single nucleotide variant.
Coding change: c.13404G>A on transcript NM_201384.3 (MANE Select); coding-DNA position 13404, G replaced by A.
Protein change: p.Ala4468=; no amino-acid change (alanine 4468 retained).
Molecular consequence: synonymous variant.
Genome position (GRCh38, 1-based): chr8:143,916,417, C>T on the plus strand (G>A on the coding strand, the complement: PLEC is on the minus strand). VCF-style: chr8-143916417-C-T. GRCh37 (hg19) VCF-style: chr8-144990585-C-T.
Other names: c.13485G>A, p.Ala4495= (NM_000445.5); c.13362G>A, p.Ala4454= (NM_201378.4); c.13338G>A, p.Ala4446= (NM_201379.3); c.13815G>A, p.Ala4605= (NM_201380.4); c.13308G>A, p.Ala4436= (NM_201381.3); c.13404G>A, p.Ala4468= (NM_201382.4); c.13416G>A, p.Ala4472= (NM_201383.3).
Identifiers: ClinVar variation 702814 (VCV000702814.38), dbSNP rs183341386, ClinGen allele CA4923815.